The following is an entry in ClinVar:

NM_001127898.4(CLCN5):c.1564del (p.Ser522fs)

Gene: CLCN5 (Cl-/H+ antiporter 5; plus strand). Cytogenetic location: Xp11.23.
Variant type: Deletion.
Coding change: c.1564del on transcript NM_001127898.4 (MANE Select); coding-DNA position 1564, one base deleted (T; older notation c.1564delT).
Protein change: p.Ser522fs; shifts the reading frame from serine 522.
Molecular consequence: frameshift variant.
Genome position (GRCh38, 1-based): chrX:50,088,704, T deleted; the last of 2 consecutive T bases (chrX:50,088,703-50,088,704); deleting either gives the same sequence. VCF-style (leftmost placement, unchanged base first): chrX-50088702-CT-C. GRCh37 (hg19) VCF-style: chrX-49853359-CT-C.
Other names: c.1354del, p.Ser452fs (NM_000084.5); c.1564del, p.Ser522fs (NM_001127899.4); c.1414del, p.Ser472fs (NM_001282163.2); short protein forms S452fs, S472fs, S522fs.
Identifiers: ClinVar variation 988250 (VCV000988250.2), dbSNP rs1933979876, ClinGen allele CA2428769540.

ClinVar aggregate classification (germline): Likely pathogenic. Review status: criteria provided, single submitter (1 of 4 stars). 2 submissions from 2 submitters: Likely pathogenic (1). 1 of the submissions does not count toward it. Last evaluated 2022-01-19.

Conditions:
Hypophosphatemic rickets, X-linked recessive (XLHRR). Identifiers: Orphanet 1652, Orphanet 93622, MedGen C1845168, MONDO:0010358, OMIM 300554.
Proteinuria, low molecular weight, with hypercalciuria and nephrocalcinosis. Identifiers: Orphanet 1652, Orphanet 93622, MedGen C1839874, MONDO:0010644, OMIM 308990.
Dent disease type 1 (DENT1). Also called: NEPHROLITHIASIS 2; NEPHROLITHIASIS, HYPERCALCIURIC, X-LINKED. Identifiers: Orphanet 1652, Orphanet 93622, MedGen C1848336, MONDO:0010225, OMIM 300009.
X-linked recessive nephrolithiasis with renal failure (XRN). Also called: UROLITHIASIS, X-LINKED RECESSIVE, TYPE 1; NEPHROLITHIASIS 1; NEPHROLITHIASIS, X-LINKED RECESSIVE, TYPE 1. Identifiers: Orphanet 1652, Orphanet 93622, MedGen C0403720, MONDO:0010687, OMIM 310468.

Submissions (2):

Fulgent Genetics
Classification: Likely pathogenic for Dent disease type 1; Hypophosphatemic rickets, X-linked recessive; Proteinuria, low molecular weight, with hypercalciuria and nephrocalcinosis; X-linked recessive nephrolithiasis with renal failure. Last evaluated: 2022-01-19. Review status: criteria provided, single submitter. Criteria: ACMG Guidelines, 2015. Collection method: clinical testing. Allele origin: unknown.

Sydney Genome Diagnostics, Children's Hospital Westmead
Classification: Likely pathogenic for Dent disease type 1. Last evaluated: 2018-06-07. Review status: no assertion criteria provided. Collection method: clinical testing. Allele origin: unknown. Affected: yes. Observed: 1 variant allele, 1 hemizygote. Not counted in ClinVar's aggregate classification.
Comment: This frameshifting variant is predicted to create a premature stop codon p.(Ser452Leufs*13) and may result in a null allele due to nonsense-mediated mRNA decay. The variant has not been reported in any population databases (i.e.gnomAD, ExAC, ESP or dbSNP). To our knowledge, this variant has not been previously reported in the literature or any disease specific databases. However, other truncating variants downstream of this amino acid have been described in ClinVar ([gene]). This variant is considered to be likely pathogenic according to the ACMG guidelines.